The following is an entry in ClinVar:

ClinVar aggregate classification (germline): Likely benign (1 of 4 stars; one submission).

gnomAD v4.1: 17 of 1,613,860 alleles (0.0011%); highest among the groups gnomAD compares: South Asian, 0.0066%; no homozygotes.

Submission:

CeGaT Center for Human Genetics Tuebingen
Classification: Likely benign. Last evaluated: 2025-01-01. Review status: criteria provided, single submitter. Criteria: CeGaT Center For Human Genetics Tuebingen Variant Classification Criteria Version 2. Collection method: clinical testing. Allele origin: germline. Affected: yes. Observed: 1 variant allele.
Comment: PIDD1: BP4, BP7

NM_145886.4(PIDD1):c.456G>A (p.Ala152=)

Gene: PIDD1 (p53-induced death domain protein 1; minus strand). Cytogenetic location: 11p15.5.
Variant type: single nucleotide variant.
Coding change: c.456G>A on transcript NM_145886.4 (MANE Select); coding-DNA position 456, G replaced by A.
Protein change: p.Ala152=; no amino-acid change (alanine 152 retained).
Molecular consequence: synonymous variant.
Genome position (GRCh38, 1-based): chr11:803,427, C>T on the plus strand (G>A on the coding strand, the complement: PIDD1 is on the minus strand). VCF-style: chr11-803427-C-T. GRCh37 (hg19) VCF-style: chr11-803427-C-T.
Other names: c.456G>A, p.Ala152= (NM_145887.4).
Identifiers: ClinVar variation 3770892 (VCV003770892.13).
Genomic context (GRCh38, chr11:803,427, plus strand): 5'-GGCGGGGAGGGCCCCCAGAGCCTCAGGCAGCTCAGAGAGGCAGTTGTGAGACAGCAAGAG[C>T]GCACCCAGACCTCGCATCTGCAGGACACAGGCCGGCAGTGTCTCCAGGCTGTTGAAGCTC-3'
Protein context (NP_665893.2, residues 142-162): ACVLQMRGLG[Ala152=]LLLSHNCLSE